The following is an entry in ClinVar:

NM_002948.5(RPL15):c.194G>A (p.Arg65His)

Genes: NKIRAS1 (NFKB inhibitor interacting Ras like 1; minus strand), RPL15 (ribosomal protein L15; plus strand). Cytogenetic location: 3p24.2.
Variant type: single nucleotide variant.
Coding change: c.194G>A on transcript NM_002948.5 (MANE Select); coding-DNA position 194, G replaced by A.
Protein change: p.Arg65His; replaces arginine 65 with histidine.
Molecular consequence: missense variant. On other transcripts: intron variant (1).
Genome position (GRCh38, 1-based): chr3:23,918,461, G>A. VCF-style: chr3-23918461-G-A. GRCh37 (hg19) VCF-style: chr3-23959952-G-A.
Other names: c.194G>A, p.Arg65His (NM_001253379.2, NM_001253380.2, NM_001253382.2 and 2 more transcripts); c.-139-7011C>T (NM_001377380.1); short protein forms R65H.
Identifiers: ClinVar variation 3367761 (VCV003367761.1).

ClinVar aggregate classification (germline): Uncertain significance (1 of 4 stars; one submission).

gnomAD v4.1: 3 of 1,612,796 alleles (0.00019%); highest among the groups gnomAD compares: Non-Finnish European, 0.00025%; no homozygotes.

Submission:

GeneDx
Classification: Uncertain significance. Last evaluated: 2024-01-12. Review status: criteria provided, single submitter. Criteria: GeneDx Variant Classification Process June 2021. Collection method: clinical testing. Allele origin: germline. Affected: yes.
Comment: Not observed at significant frequency in large population cohorts (gnomAD); In silico analysis supports that this missense variant has a deleterious effect on protein structure/function; Has not been previously published as pathogenic or benign to our knowledge